The following is an entry in ClinVar:

ClinVar aggregate classification (germline): Benign/Likely benign. Review status: criteria provided, multiple submitters, no conflicts (2 of 4 stars). 5 submissions from 5 submitters: Benign (4); Likely benign (1). Last evaluated 2025-11-09.

Allele frequency attached by ClinVar (database versions not stated): gnomAD exomes 0.00027 and 0.00077; ExAC 0.00099; ESP Exome Variant Server 0.00267; gnomAD 0.00277 and 0.00283; TOPMed 0.00318; 1000 Genomes Project 0.00419; 1000 Genomes Project 30x 0.00453.
gnomAD v4.1: 821 of 1,608,808 alleles (0.051%); highest among the groups gnomAD compares: African/African-American, 0.93%; 3 homozygotes.

Submissions (5):

Labcorp Genetics (formerly Invitae), Labcorp
Classification: Benign. Last evaluated: 2025-11-09. Review status: criteria provided, single submitter. Criteria: Invitae Variant Classification Sherloc (09022015). Collection method: clinical testing. Allele origin: germline.

Blueprint Genetics
Classification: Likely benign. Last evaluated: 2024-01-16. Review status: criteria provided, single submitter. Criteria: ACMG Guidelines, 2015. Collection method: clinical testing. Allele origin: germline.

GeneDx
Classification: Benign. Last evaluated: 2020-06-30. Review status: criteria provided, single submitter. Criteria: GeneDx Variant Classification Process June 2021. Collection method: clinical testing. Allele origin: germline. Affected: yes.

Laboratory for Molecular Medicine, Mass General Brigham Personalized Medicine
Classification: Benign. Last evaluated: 2014-11-24. Review status: criteria provided, single submitter. Criteria: LMM Criteria. Collection method: clinical testing. Allele origin: germline. Observed: 1 variant allele.
Comment: Phe15Leu in exon 3 of CEACAM16: This variant is not expected to have clinical si gnificance because it has been identified in 0.8% (33/4008) of African American chromosomes from a broad population by the NHLBI Exome Sequencing Project (dbSNP rs114907619).

Breakthrough Genomics
Classification: Benign. Review status: criteria provided, single submitter. Criteria: ACMG Guidelines, 2015. Collection method: not provided. Allele origin: germline. Inheritance: Autosomal recessive inheritance. Affected: yes.

NM_001039213.4(CEACAM16):c.43T>C (p.Phe15Leu)

Genes: CEACAM16-AS1 (CEACAM16, CEACAM19 and PVR antisense RNA 1; minus strand), CEACAM16 (CEA cell adhesion molecule 16, tectorial membrane component; plus strand). Cytogenetic location: 19q13.32.
Variant type: single nucleotide variant.
Coding change: c.43T>C on transcript NM_001039213.4 (MANE Select); coding-DNA position 43, T replaced by C.
Protein change: p.Phe15Leu; replaces phenylalanine 15 with leucine.
Molecular consequence: missense variant.
Genome position (GRCh38, 1-based): chr19:44,703,354, T>C. VCF-style: chr19-44703354-T-C. GRCh37 (hg19) VCF-style: chr19-45206624-T-C.
Other names: short protein forms F15L.
Identifiers: ClinVar variation 226507 (VCV000226507.17), dbSNP rs114907619, ClinGen allele CA9502934.